The following is an entry in ClinVar:

ClinVar aggregate classification (germline): Uncertain significance. Review status: criteria provided, multiple submitters, no conflicts (2 of 4 stars). 2 submissions from 2 submitters: Uncertain significance (2). Last evaluated 2025-09-30.

Conditions:
Inborn genetic diseases. Identifiers: MedGen C0950123, MeSH D030342.

gnomAD v4.1: 34 of 1,607,790 alleles (0.0021%); highest among the groups gnomAD compares: Middle Eastern, 0.017%; no homozygotes.

Submissions (2):

Mayo Clinic Laboratories, Mayo Clinic
Classification: Uncertain significance. Last evaluated: 2025-09-30. Review status: criteria provided, single submitter. Criteria: ACMG Guidelines, 2015. Collection method: clinical testing. Allele origin: germline. Observed: 1 variant allele.
Comment: BP4

Ambry Genetics
Classification: Uncertain significance for Inborn genetic diseases. Last evaluated: 2025-08-24. Review status: criteria provided, single submitter. Criteria: Ambry Variant Classification Scheme 2023. Collection method: clinical testing. Allele origin: germline.

NM_006946.4(SPTBN2):c.3500G>A (p.Arg1167His)

Gene: SPTBN2 (spectrin beta, non-erythrocytic 2; minus strand). Cytogenetic location: 11q13.2.
Variant type: single nucleotide variant.
Coding change: c.3500G>A on transcript NM_006946.4 (MANE Select); coding-DNA position 3500, G replaced by A.
Protein change: p.Arg1167His; replaces arginine 1167 with histidine.
Molecular consequence: missense variant.
Genome position (GRCh38, 1-based): chr11:66,700,599, C>T on the plus strand (G>A on the coding strand, the complement: SPTBN2 is on the minus strand). VCF-style: chr11-66700599-C-T. GRCh37 (hg19) VCF-style: chr11-66468070-C-T.
Other names: p.Arg1167His; c.3500G>A (NM_006946.3); c.3521G>A, p.Arg1174His (NM_001411025.1); c.3500G>A, p.Arg1167His (NM_001437541.1); short protein forms R1174H, R1167H.
Identifiers: ClinVar variation 4174313 (VCV004174313.2).